The following is an entry in ClinVar:

NM_000135.4(FANCA):c.1021C>G (p.Gln341Glu)

Gene: FANCA (FA complementation group A; minus strand). Cytogenetic location: 16q24.3.
Variant type: single nucleotide variant.
Coding change: c.1021C>G on transcript NM_000135.4 (MANE Select); coding-DNA position 1021, C replaced by G.
Protein change: p.Gln341Glu; replaces glutamine 341 with glutamic acid.
Molecular consequence: missense variant.
Genome position (GRCh38, 1-based): chr16:89,792,533, G>C on the plus strand (C>G on the coding strand, the complement: FANCA is on the minus strand). VCF-style: chr16-89792533-G-C. GRCh37 (hg19) VCF-style: chr16-89858941-G-C.
Other names: c.1021C>G, p.Gln341Glu (NM_001286167.3); short protein forms Q341E.
Identifiers: ClinVar variation 3848216 (VCV003848216.1).

ClinVar aggregate classification (germline): Uncertain significance (1 of 4 stars; one submission).

Conditions:
Inborn genetic diseases. Identifiers: MedGen C0950123, MeSH D030342.

gnomAD v4.1: 2 of 1,613,184 alleles (0.00012%); highest among the groups gnomAD compares: Admixed American, 0.0017%; no homozygotes.

Submission:

Ambry Genetics
Classification: Uncertain significance for Inborn genetic diseases. Last evaluated: 2025-02-09. Review status: criteria provided, single submitter. Criteria: Ambry Variant Classification Scheme 2023. Collection method: clinical testing. Allele origin: germline.
Comment: The p.Q341E variant (also known as c.1021C>G), located in coding exon 12 of the FANCA gene, results from a C to G substitution at nucleotide position 1021. The glutamine at codon 341 is replaced by glutamic acid, an amino acid with highly similar properties. This amino acid position is conserved. In addition, the in silico prediction for this alteration is inconclusive. Based on the available evidence, the clinical significance of this variant remains unclear.